The following is an entry in ClinVar:

ClinVar aggregate classification (germline): Uncertain significance. Review status: criteria provided, multiple submitters, no conflicts (2 of 4 stars). 2 submissions from 2 submitters: Uncertain significance (2). Last evaluated 2025-01-20.

Allele frequency attached by ClinVar (database versions not stated): gnomAD 0.00002; gnomAD exomes 0.00002; TOPMed 0.00003; ExAC 0.00004.

Submissions (2):

Labcorp Genetics (formerly Invitae), Labcorp
Classification: Uncertain significance. Last evaluated: 2025-01-20. Review status: criteria provided, single submitter. Criteria: Invitae Variant Classification Sherloc (09022015). Collection method: clinical testing. Allele origin: germline.
Comment: This sequence change replaces alanine, which is neutral and non-polar, with valine, which is neutral and non-polar, at codon 130 of the NDUFB10 protein (p.Ala130Val). This variant is present in population databases (rs779166934, gnomAD 0.005%). This variant has not been reported in the literature in individuals affected with NDUFB10-related conditions. ClinVar contains an entry for this variant (Variation ID: 2081475). An algorithm developed to predict the effect of missense changes on protein structure and function outputs the following: PolyPhen-2: "Probably Damaging". The valine amino acid residue is found in multiple mammalian species, which suggests that this missense change does not adversely affect protein function. In summary, the available evidence is currently insufficient to determine the role of this variant in disease. Therefore, it has been classified as a Variant of Uncertain Significance.

Ambry Genetics
Classification: Uncertain significance. Last evaluated: 2023-12-20. Review status: criteria provided, single submitter. Criteria: Ambry Variant Classification Scheme 2023. Collection method: clinical testing. Allele origin: germline.

NM_004548.3(NDUFB10):c.389C>T (p.Ala130Val)

Genes: NDUFB10 (NADH:ubiquinone oxidoreductase subunit B10; plus strand), LOC130058198 (ATAC-STARR-seq lymphoblastoid active region 10241; plus strand). Cytogenetic location: 16p13.3.
Variant type: single nucleotide variant.
Coding change: c.389C>T on transcript NM_004548.3 (MANE Select); coding-DNA position 389, C replaced by T.
Protein change: p.Ala130Val; replaces alanine 130 with valine.
Molecular consequence: missense variant.
Genome position (GRCh38, 1-based): chr16:1,961,616, C>T. VCF-style: chr16-1961616-C-T. GRCh37 (hg19) VCF-style: chr16-2011617-C-T.
Other names: c.389C>T (NM_004548.2); short protein forms A130V.
Identifiers: ClinVar variation 2081475 (VCV002081475.5), dbSNP rs779166934, ClinGen allele CA7823355.